The following is an entry in ClinVar:

NM_004714.3(DYRK1B):c.627C>T (p.Val209=)

Gene: DYRK1B (dual specificity tyrosine phosphorylation regulated kinase 1B; minus strand). Cytogenetic location: 19q13.2.
Variant type: single nucleotide variant.
Coding change: c.627C>T on transcript NM_004714.3 (MANE Select); coding-DNA position 627, C replaced by T.
Protein change: p.Val209=; no amino-acid change (valine 209 retained).
Molecular consequence: synonymous variant.
Genome position (GRCh38, 1-based): chr19:39,828,477, G>A on the plus strand (C>T on the coding strand, the complement: DYRK1B is on the minus strand). VCF-style: chr19-39828477-G-A. GRCh37 (hg19) VCF-style: chr19-40319117-G-A.
Other names: c.627C>T, p.Val209= (NM_006483.3, NM_006484.3).
Identifiers: ClinVar variation 3060296 (VCV003060296.2), dbSNP rs779874553, ClinGen allele CA9434243.

ClinVar aggregate classification (germline): Likely benign (0 of 4 stars; one submission).

Conditions:
DYRK1B-related disorder. Also called: DYRK1B-related condition.

Allele frequency attached by ClinVar (database versions not stated): ExAC 0.00001; gnomAD 0.00001; gnomAD exomes 0.00001; TOPMed 0.00029.
gnomAD v4.1: 35 of 1,613,618 alleles (0.0022%); highest among the groups gnomAD compares: Non-Finnish European, 0.00093%; no homozygotes.

Submission:

PreventionGenetics, part of Exact Sciences
Classification: Likely benign for DYRK1B-related condition. Last evaluated: 2022-03-08. Review status: no assertion criteria provided. Collection method: clinical testing. Allele origin: germline.
Comment: This variant is classified as likely benign based on ACMG/AMP sequence variant interpretation guidelines (Richards et al. 2015 PMID: 25741868, with internal and published modifications).